The following is an entry in ClinVar:

ClinVar aggregate classification (germline): Uncertain significance (1 of 4 stars; one submission).

Conditions:
Cardiomyopathy (CMYO). Also called: Cardiomyopathies. Identifiers: Orphanet 167848, MedGen C0878544, MONDO:0004994, HP:0001638. Inheritance: Various modes of inheritance.

Submission:

Color Diagnostics, LLC DBA Color Health
Classification: Uncertain significance for Cardiomyopathy. Last evaluated: 2025-09-22. Review status: criteria provided, single submitter. Criteria: ACMG Guidelines, 2015. Collection method: clinical testing. Allele origin: germline.
Comment: This missense variant replaces leucine with proline at codon 405 of the PRKAG2 protein. Computational prediction suggests that this variant may have deleterious impact on protein structure and function. To our knowledge, functional studies have not been reported for this variant. This variant has not been reported in individuals affected with PRKAG2-related disorders in the literature. This variant has not been identified in the general population by the Genome Aggregation Database (gnomAD). The available evidence is insufficient to determine the role of this variant in disease conclusively. Therefore, this variant is classified as a Variant of Uncertain Significance.

NM_016203.4(PRKAG2):c.1214T>C (p.Leu405Pro)

Gene: PRKAG2 (protein kinase AMP-activated non-catalytic subunit gamma 2; minus strand). Cytogenetic location: 7q36.1.
Variant type: single nucleotide variant.
Coding change: c.1214T>C on transcript NM_016203.4 (MANE Select); coding-DNA position 1214, T replaced by C.
Protein change: p.Leu405Pro; replaces leucine 405 with proline.
Molecular consequence: missense variant.
Genome position (GRCh38, 1-based): chr7:151,568,735, A>G on the plus strand (T>C on the coding strand, the complement: PRKAG2 is on the minus strand). VCF-style: chr7-151568735-A-G. GRCh37 (hg19) VCF-style: chr7-151265821-A-G.
Other names: c.1082T>C, p.Leu361Pro (NM_001040633.2, NM_001407024.1); c.839T>C, p.Leu280Pro (NM_001407029.1, NM_001304527.2); c.926T>C, p.Leu309Pro (NM_001407030.1); c.923T>C, p.Leu308Pro (NM_001407031.1); c.896T>C, p.Leu299Pro (NM_001407032.1); c.890T>C, p.Leu297Pro (NM_001407033.1); c.491T>C, p.Leu164Pro (NM_001407034.1, NM_001407035.1, NM_024429.2 and 1 more transcripts); c.488T>C, p.Leu163Pro (NM_001407036.1, NM_001407039.1, NM_001407040.1); and 6 more; short protein forms L163P, L164P, L180P, L184P, L280P, L281P, L297P, L299P.
Identifiers: ClinVar variation 4756485 (VCV004756485.1).